The following is an entry in ClinVar:

NM_000136.3(FANCC):c.823T>C (p.Phe275Leu)

Genes: AOPEP (aminopeptidase O (putative); plus strand), FANCC (FA complementation group C; minus strand). Cytogenetic location: 9q22.32.
Variant type: single nucleotide variant.
Coding change: c.823T>C on transcript NM_000136.3 (MANE Select); coding-DNA position 823, T replaced by C.
Protein change: p.Phe275Leu; replaces phenylalanine 275 with leucine.
Molecular consequence: missense variant.
Genome position (GRCh38, 1-based): chr9:95,135,366, A>G on the plus strand (T>C on the coding strand, the complement: FANCC is on the minus strand). VCF-style: chr9-95135366-A-G. GRCh37 (hg19) VCF-style: chr9-97897648-A-G.
Other names: c.823T>C, p.Phe275Leu (NM_001243743.2, NM_001243744.2); short protein forms F275L.
Identifiers: ClinVar variation 219885 (VCV000219885.23), dbSNP rs745621828, ClinGen allele CA349095.

ClinVar aggregate classification (germline): Uncertain significance. Review status: criteria provided, multiple submitters, no conflicts (2 of 4 stars). 6 submissions from 6 submitters: Uncertain significance (5). 1 of the submissions does not count toward it. Last evaluated 2025-05-22.

Conditions:
Hereditary cancer-predisposing syndrome. Also called: Hereditary neoplastic syndrome; Tumor predisposition; Hereditary Cancer Syndrome; Neoplastic Syndromes, Hereditary. Identifiers: Orphanet 140162, MedGen C0027672, MeSH D009386, MONDO:0015356.
Fanconi anemia (FA). Also called: Fanconi's anemia. Identifiers: Orphanet 84, MedGen C0015625, MeSH D005199, MONDO:0019391.
Fanconi anemia complementation group C (FANCC). Also called: FANCC-Related Fanconi Anemia; Fanconi anemia, group C; FANCONI PANCYTOPENIA, TYPE 3; FACC. Identifiers: Orphanet 84, MedGen C3468041, MONDO:0009213, OMIM 227645.

Allele frequency attached by ClinVar (database versions not stated): gnomAD 0.00001; gnomAD exomes 0.00001 and 0.00002; ExAC 0.00002; TOPMed 0.00002.
gnomAD v4.1: 27 of 1,614,004 alleles (0.0017%); highest among the groups gnomAD compares: Admixed American, 0.005%; no homozygotes.

Submissions (6):

Quest Diagnostics Nichols Institute San Juan Capistrano
Classification: Uncertain significance. Last evaluated: 2025-05-22. Review status: criteria provided, single submitter. Criteria: Quest Diagnostics criteria. Collection method: clinical testing. Allele origin: unknown.
Comment: The FANCC c.823T>C (p.Phe275Leu) variant has been reported in the published literature in individuals with breast cancer (PMID: 34445631 (2021)), pancreatic cancer (PMID: 15695377 (2005)), and leukemia (PMID: 34771502 (2021)). This variant was observed in additional individuals with breast cancer as well as in reportedly unaffected individuals in a case-control study (PMID: 33471991 (2021), see LOVD). The frequency of this variant in the general population (Genome Aggregation Database) is uninformative in the assessment of its pathogenicity. Analysis of this variant using bioinformatics tools for the prediction of the effect of amino acid changes on protein structure and function yielded predictions that this variant is benign. Based on the available information, we are unable to determine the clinical significance of this variant.

Labcorp Genetics (formerly Invitae), Labcorp
Classification: Uncertain significance for Fanconi anemia. Last evaluated: 2024-07-22. Review status: criteria provided, single submitter. Criteria: Invitae Variant Classification Sherloc (09022015). Collection method: clinical testing. Allele origin: germline.
Comment: This sequence change replaces phenylalanine, which is neutral and non-polar, with leucine, which is neutral and non-polar, at codon 275 of the FANCC protein (p.Phe275Leu). This variant is present in population databases (rs745621828, gnomAD 0.003%). This missense change has been observed in individual(s) with pancreatic cancer (PMID: 15695377). ClinVar contains an entry for this variant (Variation ID: 219885). Advanced modeling of protein sequence and biophysical properties (such as structural, functional, and spatial information, amino acid conservation, physicochemical variation, residue mobility, and thermodynamic stability) performed at Invitae indicates that this missense variant is not expected to disrupt FANCC protein function with a negative predictive value of 80%. In summary, the available evidence is currently insufficient to determine the role of this variant in disease. Therefore, it has been classified as a Variant of Uncertain Significance.

Fulgent Genetics
Classification: Uncertain significance for Fanconi anemia complementation group C. Last evaluated: 2024-03-25. Review status: criteria provided, single submitter. Criteria: ACMG Guidelines, 2015. Collection method: clinical testing. Allele origin: germline.

GeneDx
Classification: Uncertain significance. Last evaluated: 2023-05-25. Review status: criteria provided, single submitter. Criteria: GeneDx Variant Classification Process June 2021. Collection method: clinical testing. Allele origin: germline. Affected: yes.
Comment: Not observed at significant frequency in large population cohorts (gnomAD); In silico analysis supports that this missense variant does not alter protein structure/function; Observed in an individual with pancreatic cancer (Couch et al., 2005); This variant is associated with the following publications: (PMID: Gordon2000[Book], 15695377)

Ambry Genetics
Classification: Uncertain significance for Hereditary cancer-predisposing syndrome. Last evaluated: 2023-03-05. Review status: criteria provided, single submitter. Criteria: Ambry Variant Classification Scheme 2023. Collection method: clinical testing. Allele origin: germline.
Comment: The p.F275L variant (also known as c.823T>C), located in coding exon 7 of the FANCC gene, results from a T to C substitution at nucleotide position 823. The phenylalanine at codon 275 is replaced by leucine, an amino acid with highly similar properties. This alteration (designated 1078T>C) was identified in 1/421 pancreatic cancer cases and 0/654 controls. (Couch FJ et al. Cancer Res. 2005 Jan;65:383-6). This amino acid position is not well conserved in available vertebrate species. In addition, this alteration is predicted to be tolerated by in silico analysis. Since supporting evidence is limited at this time, the clinical significance of this alteration remains unclear.

Natera, Inc.
Classification: Uncertain significance for Fanconi anemia. Last evaluated: 2019-02-08. Review status: no assertion criteria provided. Collection method: clinical testing. Allele origin: germline. Not counted in ClinVar's aggregate classification.

Literature cited by the submitters: PubMed 34771502 (cited by Quest Diagnostics Nichols Institute San Juan Capistrano); PubMed 15695377 (cited by 3 submitters); PubMed 33471991 (cited by Quest Diagnostics Nichols Institute San Juan Capistrano); PubMed 34445631 (cited by Quest Diagnostics Nichols Institute San Juan Capistrano).